The following is an entry in ClinVar:

ClinVar aggregate classification (germline): Uncertain significance (1 of 4 stars; one submission).

Submission:

Labcorp Genetics (formerly Invitae), Labcorp
Classification: Uncertain significance. Last evaluated: 2023-10-13. Review status: criteria provided, single submitter. Criteria: Invitae Variant Classification Sherloc (09022015). Collection method: clinical testing. Allele origin: germline.
Comment: This sequence change falls in intron 34 of the C3 gene. It does not directly change the encoded amino acid sequence of the C3 protein. This variant is not present in population databases (gnomAD no frequency). This variant has not been reported in the literature in individuals affected with C3-related conditions. ClinVar contains an entry for this variant (Variation ID: 2127350). Algorithms developed to predict the effect of sequence changes on RNA splicing suggest that this variant may disrupt the consensus splice site. In summary, the available evidence is currently insufficient to determine the role of this variant in disease. Therefore, it has been classified as a Variant of Uncertain Significance.

NM_000064.4(C3):c.4261-11C>G

Gene: C3 (complement C3; minus strand). Cytogenetic location: 19p13.3.
Variant type: single nucleotide variant.
Coding change: c.4261-11C>G on transcript NM_000064.4 (MANE Select); 11 bases into the intron before coding-DNA position 4261, C replaced by G.
Molecular consequence: intron variant.
Genome position (GRCh38, 1-based): chr19:6,682,041, G>C on the plus strand (C>G on the coding strand, the complement: C3 is on the minus strand). VCF-style: chr19-6682041-G-C. GRCh37 (hg19) VCF-style: chr19-6682052-G-C.
Identifiers: ClinVar variation 2127350 (VCV002127350.4), dbSNP rs767975717, ClinGen allele CA2580097027.